The following is an entry in ClinVar:

ClinVar aggregate classification (germline): Pathogenic (1 of 4 stars; one submission).

Conditions:
Cerebral cavernous malformation (CCM). Also called: Cerebral cavernous malformations; Cerebral cavernous hemangioma (type); CAVERNOUS ANGIOMA, FAMILIAL; CAVERNOUS ANGIOMATOUS MALFORMATIONS; CEREBRAL CAPILLARY MALFORMATIONS; Cavernous Hemangioma of Brain. Identifiers: Orphanet 221061, MedGen C2919945, MONDO:0000820, OMIM 116860, HP:0033522.

Submission:

Labcorp Genetics (formerly Invitae), Labcorp
Classification: Pathogenic for Cerebral cavernous malformation. Last evaluated: 2020-11-18. Review status: criteria provided, single submitter. Criteria: Invitae Variant Classification Sherloc (09022015). Collection method: clinical testing. Allele origin: germline.
Comment: This sequence change creates a premature translational stop signal (p.Leu292Profs*6) in the KRIT1 gene. It is expected to result in an absent or disrupted protein product. Loss-of-function variants in KRIT1 are known to be pathogenic (PMID: 10508515, 11222804, 12404106, 24689081). For these reasons, this variant has been classified as Pathogenic. This variant has not been reported in the literature in individuals with KRIT1-related conditions. This variant is not present in population databases (ExAC no frequency).

Literature cited by the submitters: PubMed 10508515; PubMed 11222804; PubMed 12404106; PubMed 24689081.

NM_194454.3(KRIT1):c.875_876del (p.Leu292fs)

Gene: KRIT1 (KRIT1 ankyrin repeat containing; minus strand). Cytogenetic location: 7q21.2.
Variant type: Microsatellite.
Coding change: c.875_876del on transcript NM_194454.3 (MANE Select); coding-DNA positions 875 to 876, 2 bases deleted (TC; older notation c.875_876delTC).
Protein change: p.Leu292fs; shifts the reading frame from leucine 292.
Molecular consequence: frameshift variant. On other transcripts: intron variant (3).
Genome position (GRCh38, 1-based): chr7:92,234,562-92,234,563, GA deleted on the plus strand (TC on the coding strand, the reverse complement: KRIT1 is on the minus strand); deleting any 2 consecutive bases within chr7:92,234,562-92,234,566 gives the same sequence; the c. name uses the placement nearest the transcript's 3' end. VCF-style (leftmost placement, unchanged base first): chr7-92234561-GGA-G. GRCh37 (hg19) VCF-style: chr7-91863875-GGA-G.
Other names: c.161_162del, p.Leu54fs (NM_001350671.1); c.875_876del, p.Leu292fs (NM_001350672.1, NM_001350673.1, NM_001350674.1 and 26 more transcripts); c.845+245_845+246del (NM_001350669.1, NM_001013406.2, NM_001350670.1); short protein forms L292fs, L54fs.
Identifiers: ClinVar variation 1436928 (VCV001436928.6), dbSNP rs2131643055, ClinGen allele CA2578936828.